The following is an entry in ClinVar:

ClinVar aggregate classification (germline): Likely benign (1 of 4 stars; one submission).

Submission:

CeGaT Center for Human Genetics Tuebingen
Classification: Likely benign. Last evaluated: 2024-11-01. Review status: criteria provided, single submitter. Criteria: CeGaT Center For Human Genetics Tuebingen Variant Classification Criteria Version 2. Collection method: clinical testing. Allele origin: germline. Affected: yes. Observed: 1 variant allele.
Comment: IGF2: BP4, BP7

NM_000612.6(IGF2):c.519A>C (p.Pro173=)

Genes: IGF2 (insulin like growth factor 2; minus strand), INS-IGF2 (INS-IGF2 readthrough; minus strand). Cytogenetic location: 11p15.5.
Variant type: single nucleotide variant.
Coding change: c.519A>C on transcript NM_000612.6 (MANE Select); coding-DNA position 519, A replaced by C.
Protein change: p.Pro173=; no amino-acid change (proline 173 retained).
Molecular consequence: synonymous variant. On other transcripts: non-coding transcript variant (1).
Genome position (GRCh38, 1-based): chr11:2,133,011, T>G on the plus strand (A>C on the coding strand, the complement: IGF2 is on the minus strand). VCF-style: chr11-2133011-T-G. GRCh37 (hg19) VCF-style: chr11-2154241-T-G.
Other names: c.519A>C, p.Pro173= (NM_001007139.6, NM_001291861.3, NM_001291862.3); c.687A>C, p.Pro229= (NM_001127598.3).
Identifiers: ClinVar variation 3388610 (VCV003388610.14).